The following is an entry in ClinVar:

NM_001365999.1(SZT2):c.6866C>A (p.Thr2289Asn)

Gene: SZT2 (SZT2 subunit of KICSTOR complex; plus strand). Cytogenetic location: 1p34.2.
Variant type: single nucleotide variant.
Coding change: c.6866C>A on transcript NM_001365999.1 (MANE Select); coding-DNA position 6866, C replaced by A.
Protein change: p.Thr2289Asn; replaces threonine 2289 with asparagine.
Molecular consequence: missense variant.
Genome position (GRCh38, 1-based): chr1:43,439,431, C>A. VCF-style: chr1-43439431-C-A. GRCh37 (hg19) VCF-style: chr1-43905102-C-A.
Other names: c.6695C>A, p.Thr2232Asn (NM_015284.4); short protein forms T2232N, T2289N.
Identifiers: ClinVar variation 3370067 (VCV003370067.1).

ClinVar aggregate classification (germline): Uncertain significance (1 of 4 stars; one submission).

Submission:

GeneDx
Classification: Uncertain significance. Last evaluated: 2023-12-27. Review status: criteria provided, single submitter. Criteria: GeneDx Variant Classification Process June 2021. Collection method: clinical testing. Allele origin: germline. Affected: yes.
Comment: Not observed at significant frequency in large population cohorts (gnomAD); In silico analysis supports that this missense variant does not alter protein structure/function; Has not been previously published as pathogenic or benign to our knowledge